The following is an entry in ClinVar:

NM_003748.4(ALDH4A1):c.483C>T (p.Asp161=)

Gene: ALDH4A1 (aldehyde dehydrogenase 4 family member A1; minus strand). Cytogenetic location: 1p36.13.
Variant type: single nucleotide variant.
Coding change: c.483C>T on transcript NM_003748.4 (MANE Select); coding-DNA position 483, C replaced by T.
Protein change: p.Asp161=; no amino-acid change (aspartic acid 161 retained).
Molecular consequence: synonymous variant.
Genome position (GRCh38, 1-based): chr1:18,883,399, G>A on the plus strand (C>T on the coding strand, the complement: ALDH4A1 is on the minus strand). VCF-style: chr1-18883399-G-A. GRCh37 (hg19) VCF-style: chr1-19209893-G-A.
Other names: c.483C>T (NM_170726.2); c.303C>T, p.Asp101= (NM_001161504.2); c.483C>T, p.Asp161= (NM_001319218.2, NM_170726.3).
Identifiers: ClinVar variation 702554 (VCV000702554.10), dbSNP rs182240222, ClinGen allele CA647343.

ClinVar aggregate classification (germline): Likely benign. Review status: criteria provided, single submitter (1 of 4 stars). 2 submissions from 2 submitters: Likely benign (1). 1 of the submissions does not count toward it. Last evaluated 2025-07-02.

Conditions:
Hyperprolinemia type 2 (HYRPRO2). Also called: 1-PYRROLINE-5-CARBOXYLATE DEHYDROGENASE DEFICIENCY; Delta-1-pyrroline-5-carboxylate dehydrogenase deficiency; Deficiency of pyrroline-5-carboxylate reductase. Identifiers: Orphanet 79101, MedGen C2931835, MONDO:0009401, OMIM 239510.
ALDH4A1-related disorder. Also called: ALDH4A1-related condition.

Allele frequency attached by ClinVar (database versions not stated): ExAC 0.00007; gnomAD exomes 0.00007 and 0.00010; gnomAD 0.00026 and 0.00028; 1000 Genomes Project 30x 0.00031; TOPMed 0.00039; 1000 Genomes Project 0.00040.
gnomAD v4.1: 190 of 1,613,478 alleles (0.012%); highest among the groups gnomAD compares: Admixed American, 0.068%; no homozygotes.

Submissions (2):

Labcorp Genetics (formerly Invitae), Labcorp
Classification: Likely benign for Hyperprolinemia type 2. Last evaluated: 2025-07-02. Review status: criteria provided, single submitter. Criteria: Invitae Variant Classification Sherloc (09022015). Collection method: clinical testing. Allele origin: germline.

PreventionGenetics, part of Exact Sciences
Classification: Likely benign for ALDH4A1-related condition. Last evaluated: 2019-06-18. Review status: no assertion criteria provided. Collection method: clinical testing. Allele origin: germline. Not counted in ClinVar's aggregate classification.
Comment: This variant is classified as likely benign based on ACMG/AMP sequence variant interpretation guidelines (Richards et al. 2015 PMID: 25741868, with internal and published modifications).